The following is an entry in ClinVar:

ClinVar aggregate classification (germline): Likely benign. Review status: criteria provided, multiple submitters, no conflicts (2 of 4 stars). 2 submissions from 2 submitters: Likely benign (2). Last evaluated 2026-09-01.

Allele frequency attached by ClinVar (database versions not stated): TOPMed 0.00002; ExAC 0.00003; gnomAD 0.00005; ESP Exome Variant Server 0.00008; gnomAD exomes 0.00011.
gnomAD v4.1: 165 of 1,613,946 alleles (0.01%); highest among the groups gnomAD compares: Non-Finnish European, 0.013%; no homozygotes.

Submissions (2):

CeGaT Center for Human Genetics Tuebingen
Classification: Likely benign. Last evaluated: 2026-09-01. Review status: criteria provided, single submitter. Criteria: CeGaT Center For Human Genetics Tuebingen Variant Classification Criteria Version 2. Collection method: clinical testing. Allele origin: germline. Affected: yes. Observed: 1 variant allele.
Comment: HSPG2: BP4, BP7

Labcorp Genetics (formerly Invitae), Labcorp
Classification: Likely benign. Last evaluated: 2025-06-20. Review status: criteria provided, single submitter. Criteria: Invitae Variant Classification Sherloc (09022015). Collection method: clinical testing. Allele origin: germline.

NM_005529.7(HSPG2):c.534C>T (p.Val178=)

Gene: HSPG2 (heparan sulfate proteoglycan 2; minus strand). Cytogenetic location: 1p36.12.
Variant type: single nucleotide variant.
Coding change: c.534C>T on transcript NM_005529.7 (MANE Select); coding-DNA position 534, C replaced by T.
Protein change: p.Val178=; no amino-acid change (valine 178 retained).
Molecular consequence: synonymous variant.
Genome position (GRCh38, 1-based): chr1:21,890,021, G>A on the plus strand (C>T on the coding strand, the complement: HSPG2 is on the minus strand). VCF-style: chr1-21890021-G-A. GRCh37 (hg19) VCF-style: chr1-22216514-G-A.
Other names: c.534C>T, p.Val178= (NM_001291860.2).
Identifiers: ClinVar variation 2163814 (VCV002163814.5), dbSNP rs376282000, ClinGen allele CA673851.